The following is an entry in ClinVar:

ClinVar aggregate classification (germline): Uncertain significance. Review status: criteria provided, multiple submitters, no conflicts (2 of 4 stars). 2 submissions from 2 submitters: Uncertain significance (2). Last evaluated 2025-08-19.

Conditions:
Bethlem myopathy 1A. Also called: Bethlem Muscular Dystrophy; MYOPATHY, BENIGN CONGENITAL, WITH CONTRACTURES; Bethlem myopathy 1. Identifiers: Orphanet 610, MedGen CN029274, MONDO:0024530, OMIM 158810.
Inborn genetic diseases. Identifiers: MedGen C0950123, MeSH D030342.

gnomAD v4.1: 25 of 1,614,052 alleles (0.0015%); highest among the groups gnomAD compares: South Asian, 0.025%; no homozygotes.

Submissions (2):

Ambry Genetics
Classification: Uncertain significance for Inborn genetic diseases. Last evaluated: 2025-08-19. Review status: criteria provided, single submitter. Criteria: Ambry Variant Classification Scheme 2023. Collection method: clinical testing. Allele origin: germline.

Labcorp Genetics (formerly Invitae), Labcorp
Classification: Uncertain significance for Bethlem myopathy 1A. Last evaluated: 2022-09-29. Review status: criteria provided, single submitter. Criteria: Invitae Variant Classification Sherloc (09022015). Collection method: clinical testing. Allele origin: germline.
Comment: In summary, the available evidence is currently insufficient to determine the role of this variant in disease. Therefore, it has been classified as a Variant of Uncertain Significance. Algorithms developed to predict the effect of missense changes on protein structure and function are either unavailable or do not agree on the potential impact of this missense change (SIFT: "Tolerated"; PolyPhen-2: "Not Available"; Align-GVGD: "Class C0"). This variant has not been reported in the literature in individuals affected with COL6A3-related conditions. This variant is present in population databases (rs372278071, gnomAD 0.02%). This sequence change replaces isoleucine, which is neutral and non-polar, with phenylalanine, which is neutral and non-polar, at codon 2590 of the COL6A3 protein (p.Ile2590Phe).

NM_004369.4(COL6A3):c.7768A>T (p.Ile2590Phe)

Gene: COL6A3 (collagen type VI alpha 3 chain; minus strand). Cytogenetic location: 2q37.3.
Variant type: single nucleotide variant.
Coding change: c.7768A>T on transcript NM_004369.4 (MANE Select); coding-DNA position 7768, A replaced by T.
Protein change: p.Ile2590Phe; replaces isoleucine 2590 with phenylalanine.
Molecular consequence: missense variant.
Genome position (GRCh38, 1-based): chr2:237,341,148, T>A on the plus strand (A>T on the coding strand, the complement: COL6A3 is on the minus strand). VCF-style: chr2-237341148-T-A. GRCh37 (hg19) VCF-style: chr2-238249791-T-A.
Other names: c.5947A>T, p.Ile1983Phe (NM_057166.5); c.7150A>T, p.Ile2384Phe (NM_057167.4); short protein forms I1983F, I2384F, I2590F.
Identifiers: ClinVar variation 2417477 (VCV002417477.44), dbSNP rs372278071, ClinGen allele CA2187696.